The following is an entry in ClinVar:

ClinVar aggregate classification (germline): Uncertain significance (1 of 4 stars; one submission).

Conditions:
Inborn genetic diseases. Identifiers: MedGen C0950123, MeSH D030342.

Submission:

Ambry Genetics
Classification: Uncertain significance for Inborn genetic diseases. Last evaluated: 2025-06-23. Review status: criteria provided, single submitter. Criteria: Ambry Variant Classification Scheme 2023. Collection method: clinical testing. Allele origin: germline.
Comment: The p.R160K variant (also known as c.479G>A), located in coding exon 2 of the LTBP3 gene, results from a G to A substitution at nucleotide position 479. The arginine at codon 160 is replaced by lysine, an amino acid with highly similar properties. This amino acid position is conserved. In addition, this alteration is predicted to be tolerated by in silico analysis. Based on the available evidence, the clinical significance of this variant remains unclear.

NM_001130144.3(LTBP3):c.479G>A (p.Arg160Lys)

Gene: LTBP3 (latent transforming growth factor beta binding protein 3; minus strand). Cytogenetic location: 11q13.1.
Variant type: single nucleotide variant.
Coding change: c.479G>A on transcript NM_001130144.3 (MANE Select); coding-DNA position 479, G replaced by A.
Protein change: p.Arg160Lys; replaces arginine 160 with lysine.
Molecular consequence: missense variant.
Genome position (GRCh38, 1-based): chr11:65,554,233, C>T on the plus strand (G>A on the coding strand, the complement: LTBP3 is on the minus strand). VCF-style: chr11-65554233-C-T. GRCh37 (hg19) VCF-style: chr11-65321704-C-T.
Other names: c.128G>A, p.Arg43Lys (NM_001164266.1); c.479G>A, p.Arg160Lys (NM_021070.4); short protein forms R43K, R160K.
Identifiers: ClinVar variation 4101306 (VCV004101306.1).